The following is an entry in ClinVar:

NM_001206744.2(TPO):c.1091T>C (p.Leu364Pro)

Gene: TPO (thyroid peroxidase; plus strand). Cytogenetic location: 2p25.3.
Variant type: single nucleotide variant.
Coding change: c.1091T>C on transcript NM_001206744.2 (MANE Select); coding-DNA position 1091, T replaced by C.
Protein change: p.Leu364Pro; replaces leucine 364 with proline.
Molecular consequence: missense variant. On other transcripts: intron variant (1).
Genome position (GRCh38, 1-based): chr2:1,477,357, T>C. VCF-style: chr2-1477357-T-C. GRCh37 (hg19) VCF-style: chr2-1481129-T-C.
Other names: c.1091T>C, p.Leu364Pro (NM_000547.6, NM_001206745.2, NM_175719.4 and 1 more transcripts); c.820-7239T>C (NM_175722.3); short protein forms L364P.
Identifiers: ClinVar variation 3375459 (VCV003375459.1).
Genomic context (GRCh38, chr2:1,477,357, plus strand): 5'-CCAGTGCCGAAGGGCTGCTCCGCGTCCACGCGCGCCTCCGGGACTCCGGCCGCGCCTACC[T>C]GCCCTTCGTGCCGCCACGCGCGCCTGCGGCCTGTGCGCCCGAGCCCGGCATCCCCGGAGA-3'
Protein context (NP_001193673.1, residues 354-374): ARLRDSGRAY[Leu364Pro]PFVPPRAPAA

ClinVar aggregate classification (germline): Uncertain significance (1 of 4 stars; one submission).

gnomAD v4.1: 6 of 1,541,386 alleles (0.00039%); highest among the groups gnomAD compares: Non-Finnish European, 0.00044%; no homozygotes.

Submission:

Women's Health and Genetics/Laboratory Corporation of America, LabCorp
Classification: Uncertain significance. Last evaluated: 2024-09-16. Review status: criteria provided, single submitter. Criteria: LabCorp Variant Classification Summary - May 2015. Collection method: clinical testing. Allele origin: germline.
Comment: Variant summary: TPO c.1091T>C (p.Leu364Pro) results in a non-conservative amino acid change in the encoded protein sequence. Five of five in-silico tools predict a damaging effect of the variant on protein function. The variant was absent in 170994 control chromosomes. The available data on variant occurrences in the general population are insufficient to allow any conclusion about variant significance. To our knowledge, no occurrence of c.1091T>C in individuals affected with Deficiency Of Iodide Peroxidase and no experimental evidence demonstrating its impact on protein function have been reported. No submitters have cited clinical-significance assessments for this variant to ClinVar. Based on the evidence outlined above, the variant was classified as uncertain significance.